The following is an entry in ClinVar:

NM_001099922.3(ALG13):c.2066A>G (p.Tyr689Cys)

Gene: ALG13 (ALG13 UDP-N-acetylglucosaminyltransferase subunit; plus strand). Cytogenetic location: Xq23.
Variant type: single nucleotide variant.
Coding change: c.2066A>G on transcript NM_001099922.3 (MANE Select); coding-DNA position 2066, A replaced by G.
Protein change: p.Tyr689Cys; replaces tyrosine 689 with cysteine.
Molecular consequence: missense variant. On other transcripts: non-coding transcript variant (1).
Genome position (GRCh38, 1-based): chrX:111,727,421, A>G. VCF-style: chrX-111727421-A-G. GRCh37 (hg19) VCF-style: chrX-110970649-A-G.
Other names: c.1754A>G, p.Tyr585Cys (NM_001257230.2, NM_001257234.2, NM_001257237.2); c.1832A>G, p.Tyr611Cys (NM_001257231.2); c.2066A>G, p.Tyr689Cys (NM_001324292.2); c.1580A>G, p.Tyr527Cys (NM_001324293.1); short protein forms Y527C, Y585C, Y689C, Y611C.
Identifiers: ClinVar variation 1350200 (VCV001350200.7), dbSNP rs1470650822, ClinGen allele CA414253180.
Genomic context (GRCh38, chrX:111,727,421, plus strand): 5'-ACATGCCGGGCCCTAAAGTTGATTTTTACCCAGGCCCAGGTAAAAGGTGCTGCCAGAGCT[A>G]TGATAACTTCTCTTATAGATCTCGGTAAGTATTGTGTTGAAAGTCAGAGAAAATTGGTAA-3'
Protein context (NP_001093392.1, residues 679-699): PGPGKRCCQS[Tyr689Cys]DNFSYRSRSF

ClinVar aggregate classification (germline): Uncertain significance. Review status: criteria provided, multiple submitters, no conflicts (2 of 4 stars). 2 submissions from 2 submitters: Uncertain significance (2). Last evaluated 2021-08-02.

Conditions:
Developmental and epileptic encephalopathy, 36 (DEE36). Also called: Epileptic encephalopathy, early infantile, 36; Congenital disorder of glycosylation, type Is; ALG13-CDG. Identifiers: Orphanet 324422, MedGen C4317295, MONDO:0010472, OMIM 300884.

Allele frequency attached by ClinVar (database versions not stated): gnomAD exomes 0.00001.
gnomAD v4.1: 3 of 1,207,677 alleles (0.00025%); highest among the groups gnomAD compares: East Asian, 0.003%; no homozygotes.

Submissions (2):

Labcorp Genetics (formerly Invitae), Labcorp
Classification: Uncertain significance for Developmental and epileptic encephalopathy, 36. Last evaluated: 2021-08-02. Review status: criteria provided, single submitter. Criteria: Invitae Variant Classification Sherloc (09022015). Collection method: clinical testing. Allele origin: germline.
Comment: In summary, the available evidence is currently insufficient to determine the role of this variant in disease. Therefore, it has been classified as a Variant of Uncertain Significance. Algorithms developed to predict the effect of missense changes on protein structure and function are either unavailable or do not agree on the potential impact of this missense change (SIFT: "Deleterious"; PolyPhen-2: "Possibly Damaging"; Align-GVGD: "Class C0"). This variant has not been reported in the literature in individuals affected with ALG13-related conditions. This variant is not present in population databases (ExAC no frequency). This sequence change replaces tyrosine with cysteine at codon 689 of the ALG13 protein (p.Tyr689Cys). The tyrosine residue is moderately conserved and there is a large physicochemical difference between tyrosine and cysteine.

Victorian Clinical Genetics Services, Murdoch Childrens Research Institute
Classification: Uncertain significance for Developmental and epileptic encephalopathy, 36. Last evaluated: 2021-05-06. Review status: criteria provided, single submitter. Criteria: ACMG Guidelines, 2015. Collection method: clinical testing. Allele origin: germline. Inheritance: X-linked dominant inheritance. Affected: yes.
Comment: Based on the classification scheme VCGS_Germline_v1.3.4, this variant is classified as VUS-3B. Following criteria are met: 0105 - The mechanism of disease for this gene is not clearly established. (I) 0110 - This gene is associated with X-linked dominant congenital disorder of glycosylation (MIM#300884), however affected males who have inherited variants from an unaffected mother have been reported (PMID: 25732998). (I) 0200 - Variant is predicted to result in a missense amino acid change from tyrosine to cysteine. (I) 0251 - This variant is heterozygous. (I) 0302 - Variant is present in gnomAD (v2) <0.001 for a dominant condition (1 heterozygote, 0 homozygotes). (SP) 0502 - Missense variant with conflicting in silico predictions and uninformative conservation. (I) 0604 - Variant is not located in an established domain, motif, hotspot or informative constraint region. (I) 0705 - No comparable missense variants have previous evidence for pathogenicity. (I) 0807 - This variant has no previous evidence of pathogenicity. (I) 0905 - No published segregation evidence has been identified for this variant. (I) 1007 - No published functional evidence has been identified for this variant. (I) 1208 - Inheritance information for this variant is not currently available in this individual. (I) Legend: (SP) - Supporting pathogenic, (I) - Information, (SB) - Supporting benign

Literature cited by the submitters: PubMed 25732998 (cited by Victorian Clinical Genetics Services, Murdoch Childrens Research Institute).